The following is an entry in ClinVar:

NM_002224.4(ITPR3):c.403G>T (p.Val135Leu)

Gene: ITPR3 (inositol 1,4,5-trisphosphate receptor type 3; plus strand). Cytogenetic location: 6p21.31.
Variant type: single nucleotide variant.
Coding change: c.403G>T on transcript NM_002224.4 (MANE Select); coding-DNA position 403, G replaced by T.
Protein change: p.Val135Leu; replaces valine 135 with leucine.
Molecular consequence: missense variant.
Genome position (GRCh38, 1-based): chr6:33,658,703, G>T. VCF-style: chr6-33658703-G-T. GRCh37 (hg19) VCF-style: chr6-33626480-G-T.
Other names: short protein forms V135L.
Identifiers: ClinVar variation 3389654 (VCV003389654.14).

ClinVar aggregate classification (germline): Uncertain significance (1 of 4 stars; one submission).

Submission:

CeGaT Center for Human Genetics Tuebingen
Classification: Uncertain significance. Last evaluated: 2024-09-01. Review status: criteria provided, single submitter. Criteria: CeGaT Center For Human Genetics Tuebingen Variant Classification Criteria Version 2. Collection method: clinical testing. Allele origin: germline. Affected: yes. Observed: 1 variant allele.
Comment: ITPR3: PM2, PP3